The following is an entry in ClinVar:

NM_000038.6(APC):c.3268C>T (p.Gln1090Ter)

Gene: APC (APC regulator of Wnt signaling pathway; plus strand). Cytogenetic location: 5q22.2.
Variant type: single nucleotide variant.
Coding change: c.3268C>T on transcript NM_000038.6 (MANE Select); coding-DNA position 3268, C replaced by T.
Protein change: p.Gln1090Ter; replaces glutamine 1090 with a stop codon.
Molecular consequence: nonsense.
Genome position (GRCh38, 1-based): chr5:112,838,862, C>T. VCF-style: chr5-112838862-C-T. GRCh37 (hg19) VCF-style: chr5-112174559-C-T.
Other names: c.3268C>T, p.Gln1090Ter (NM_001127510.3, NM_001354895.2); c.3214C>T, p.Gln1072Ter (NM_001127511.3); c.3322C>T, p.Gln1108Ter (NM_001354896.2); c.3298C>T, p.Gln1100Ter (NM_001354897.2); c.3193C>T, p.Gln1065Ter (NM_001354898.2); c.3184C>T, p.Gln1062Ter (NM_001354899.2); c.3145C>T, p.Gln1049Ter (NM_001354900.2); c.3091C>T, p.Gln1031Ter (NM_001354901.2); and 5 more; short protein forms Q1031*, Q1062*, Q1065*, Q964*, Q1049*, Q1090*, Q1100*, Q807*.
Identifiers: ClinVar variation 823353 (VCV000823353.13), dbSNP rs1580633219, ClinGen allele CA16028507.
Genomic context (GRCh38, chr5:112,838,862, plus strand): 5'-AATCAAAGTACAACTTATCCTGTTTATACTGAGAGCACTGATGATAAACACCTCAAGTTC[C>T]AACCACATTTTGGACAGCAGGAATGTGTTTCTCCATACAGGTCACGGGGAGCCAATGGTT-3'

ClinVar aggregate classification (germline): Pathogenic. Review status: criteria provided, multiple submitters, no conflicts (2 of 4 stars). 3 submissions from 3 submitters: Pathogenic (3). Last evaluated 2024-07-02.

Conditions:
Familial adenomatous polyposis 1 (FAP1). Also called: FAMILIAL ADENOMATOUS POLYPOSIS 1, ATTENUATED; POLYPOSIS, ADENOMATOUS INTESTINAL. Identifiers: MedGen C2713442, MONDO:0021056, OMIM 175100. Disease mechanism: loss of function.
Hereditary cancer-predisposing syndrome. Also called: Tumor predisposition; Hereditary Cancer Syndrome; Neoplastic Syndromes, Hereditary; Hereditary neoplastic syndrome. Identifiers: Orphanet 140162, MedGen C0027672, MeSH D009386, MONDO:0015356.

Submissions (3):

Labcorp Genetics (formerly Invitae), Labcorp
Classification: Pathogenic for Familial adenomatous polyposis 1. Last evaluated: 2024-07-02. Review status: criteria provided, single submitter. Criteria: Invitae Variant Classification Sherloc (09022015). Collection method: clinical testing. Allele origin: germline.
Comment: This sequence change creates a premature translational stop signal (p.Gln1090*) in the APC gene. While this is not anticipated to result in nonsense mediated decay, it is expected to disrupt the last 1754 amino acid(s) of the APC protein. This variant is not present in population databases (gnomAD no frequency). This variant has not been reported in the literature in individuals affected with APC-related conditions. ClinVar contains an entry for this variant (Variation ID: 823353). Algorithms developed to predict the effect of sequence changes on RNA splicing suggest that this variant may create or strengthen a splice site. This variant is expected to disrupt the EB1 and HDLG binding sites, which mediate interactions with the cytoskeleton (PMID: 15311282, 17293347). While functional studies have not been performed to directly test the effect on APC protein function, this suggests that disruption of the C-terminal portion of the protein is functionally important. A different truncation (p.Tyr2645Lysfs*14) that lies downstream of this variant has been determined to be pathogenic (PMID: 9824584, 1316610, 27081525, 8381579, 22135120, Invitae). This suggests that deletion of this region of the APC protein is causative of disease. For these reasons, this variant has been classified as Pathogenic.

Myriad Genetics, Inc.
Classification: Pathogenic for Familial adenomatous polyposis 1. Last evaluated: 2023-05-08. Review status: criteria provided, single submitter. Criteria: Myriad Autosomal Dominant, Autosomal Recessive and X-Linked Classification Criteria (2023). Collection method: clinical testing. Allele origin: unknown.
Comment: This variant is considered pathogenic. This variant creates a termination codon and is predicted to result in premature protein truncation.

Ambry Genetics
Classification: Pathogenic for Hereditary cancer-predisposing syndrome. Last evaluated: 2018-10-30. Review status: criteria provided, single submitter. Criteria: Ambry Variant Classification Scheme 2023. Collection method: clinical testing. Allele origin: germline.
Comment: The p.Q1090* pathogenic mutation (also known as c.3268C>T), located in coding exon 15 of the APC gene, results from a C to T substitution at nucleotide position 3268. This changes the amino acid from a glutamine to a stop codon within coding exon 15. This alteration is expected to result in loss of function by premature protein truncation. As such, this alteration is interpreted as a disease-causing mutation.

Literature cited by the submitters: PubMed 15311282 (cited by Labcorp Genetics (formerly Invitae), Labcorp); PubMed 17293347 (cited by Labcorp Genetics (formerly Invitae), Labcorp); PubMed 9824584 (cited by Labcorp Genetics (formerly Invitae), Labcorp); PubMed 1316610 (cited by Labcorp Genetics (formerly Invitae), Labcorp); PubMed 27081525 (cited by Labcorp Genetics (formerly Invitae), Labcorp); PubMed 8381579 (cited by Labcorp Genetics (formerly Invitae), Labcorp); PubMed 22135120 (cited by Labcorp Genetics (formerly Invitae), Labcorp).